The following is an entry in ClinVar:

ClinVar aggregate classification (germline): Uncertain significance (1 of 4 stars; one submission).

gnomAD v4.1: 2 of 1,614,006 alleles (0.00012%); highest among the groups gnomAD compares: Non-Finnish European, 0.00017%; no homozygotes.

Submission:

GeneDx
Classification: Uncertain significance. Last evaluated: 2025-07-15. Review status: criteria provided, single submitter. Criteria: GeneDx Variant Classification Process June 2021. Collection method: clinical testing. Allele origin: germline. Affected: yes.
Comment: Not observed at significant frequency in large population cohorts (gnomAD); In silico analysis supports that this missense variant has a deleterious effect on protein structure/function; Has not been previously published as pathogenic or benign to our knowledge

NM_001205293.3(CACNA1E):c.2789G>T (p.Gly930Val)

Gene: CACNA1E (calcium voltage-gated channel subunit alpha1 E; plus strand). Cytogenetic location: 1q25.3.
Variant type: single nucleotide variant.
Coding change: c.2789G>T on transcript NM_001205293.3 (MANE Select); coding-DNA position 2789, G replaced by T.
Protein change: p.Gly930Val; replaces glycine 930 with valine.
Molecular consequence: missense variant.
Genome position (GRCh38, 1-based): chr1:181,732,875, G>T. VCF-style: chr1-181732875-G-T. GRCh37 (hg19) VCF-style: chr1-181702011-G-T.
Other names: c.2789G>T, p.Gly930Val (NM_000721.4); c.2732G>T, p.Gly911Val (NM_001205294.2); short protein forms G911V, G930V.
Identifiers: ClinVar variation 4686139 (VCV004686139.1).
Genomic context (GRCh38, chr1:181,732,875, plus strand): 5'-ACCGGGCCAGGCACAGGCAGAGCCAACGGCGCAGCCGGCATCGCCGCGTCAGGACAGAAG[G>T]CAAGGAGTCCTCTTCAGCCTCCCGGAGCAGGTCTGCCAGCCAGGAACGCAGTCTGGATGA-3'
Protein context (NP_001192222.1, residues 920-940): RSRHRRVRTE[Gly930Val]KESSSASRSR